The following is an entry in ClinVar:

ClinVar aggregate classification (germline): Conflicting classifications of pathogenicity. Review status: criteria provided, conflicting classifications (1 of 4 stars). 6 submissions from 6 submitters: Uncertain significance (1); Benign (1); Likely benign (3). 1 of the submissions does not count toward it. Last evaluated 2025-12-21.

Conditions:
Inborn genetic diseases. Identifiers: MedGen C0950123, MeSH D030342.
POLG-related disorder. Also called: POLG-Related Spectrum Disorders; POLG-related condition; POLG-Related Disorders. Identifiers: MedGen C4763519.
Progressive sclerosing poliodystrophy (MTDPS4A). Also called: ALPERS DIFFUSE DEGENERATION OF CEREBRAL GRAY MATTER WITH HEPATIC CIRRHOSIS; Alpers-Huttenlocher Syndrome; Alpers Syndrome; Mitochondrial DNA depletion syndrome 4A (Alpers type); NEURONAL DEGENERATION OF CHILDHOOD WITH LIVER DISEASE, PROGRESSIVE; Mitochondrial DNA Depletion Syndrome 4A. Identifiers: Orphanet 726, MedGen C0205710, MONDO:0008758, OMIM 203700.

Allele frequency attached by ClinVar (database versions not stated): TOPMed 0.00002; 1000 Genomes Project 30x 0.00016.
gnomAD v4.1: 156 of 1,614,060 alleles (0.0097%); highest among the groups gnomAD compares: East Asian, 0.34%; no homozygotes.

Submissions (6):

Labcorp Genetics (formerly Invitae), Labcorp
Classification: Likely benign for Progressive sclerosing poliodystrophy. Last evaluated: 2025-12-21. Review status: criteria provided, single submitter. Criteria: Invitae Variant Classification Sherloc (09022015). Collection method: clinical testing. Allele origin: germline.

Athena Diagnostics
Classification: Likely benign. Last evaluated: 2019-12-27. Review status: criteria provided, single submitter. Criteria: Athena Diagnostics Criteria. Collection method: clinical testing. Allele origin: unknown.

Ambry Genetics
Classification: Likely benign for Inborn genetic diseases. Last evaluated: 2017-09-21. Review status: criteria provided, single submitter. Criteria: Ambry Variant Classification Scheme 2023. Collection method: clinical testing. Allele origin: germline.

Illumina Laboratory Services, Illumina
Classification: Uncertain significance for POLG-Related Spectrum Disorders. Last evaluated: 2017-04-27. Review status: criteria provided, single submitter. Criteria: ICSL Variant Classification Criteria 13 December 2019. Collection method: clinical testing. Allele origin: germline.

GeneDx
Classification: Benign. Last evaluated: 2013-05-02. Review status: criteria provided, single submitter. Criteria: GeneDx Variant Classification (06012015). Collection method: clinical testing. Allele origin: germline. Affected: yes.
Comment: This variant is considered likely benign or benign based on one or more of the following criteria: it is a conservative change, it occurs at a poorly conserved position in the protein, it is predicted to be benign by multiple in silico algorithms, and/or has population frequency not consistent with disease.

PreventionGenetics, part of Exact Sciences
Classification: Likely benign for POLG-related condition. Last evaluated: 2021-07-12. Review status: no assertion criteria provided. Collection method: clinical testing. Allele origin: germline. Not counted in ClinVar's aggregate classification.
Comment: This variant is classified as likely benign based on ACMG/AMP sequence variant interpretation guidelines (Richards et al. 2015 PMID: 25741868, with internal and published modifications).

NM_002693.3(POLG):c.2109C>T (p.Ala703=)

Gene: POLG (DNA polymerase gamma, catalytic subunit; minus strand). Cytogenetic location: 15q26.1.
Variant type: single nucleotide variant.
Coding change: c.2109C>T on transcript NM_002693.3 (MANE Select); coding-DNA position 2109, C replaced by T.
Protein change: p.Ala703=; no amino-acid change (alanine 703 retained).
Molecular consequence: synonymous variant.
Genome position (GRCh38, 1-based): chr15:89,323,863, G>A on the plus strand (C>T on the coding strand, the complement: POLG is on the minus strand). VCF-style: chr15-89323863-G-A. GRCh37 (hg19) VCF-style: chr15-89867094-G-A.
Other names: p.A703A:GCC>GCT; c.2109C>T, p.Ala703= (NM_001126131.2).
Identifiers: ClinVar variation 138745 (VCV000138745.20), dbSNP rs2307429, ClinGen allele CA292828.